The following is an entry in ClinVar:

NM_153704.6(TMEM67):c.1576-10T>C

Gene: TMEM67 (transmembrane protein 67; plus strand). Cytogenetic location: 8q22.1.
Variant type: single nucleotide variant.
Coding change: c.1576-10T>C on transcript NM_153704.6 (MANE Select); 10 bases into the intron before coding-DNA position 1576, T replaced by C.
Molecular consequence: intron variant.
Genome position (GRCh38, 1-based): chr8:93,793,188, T>C. VCF-style: chr8-93793188-T-C. GRCh37 (hg19) VCF-style: chr8-94805416-T-C.
Other names: c.1333-10T>C (NM_001142301.1); c.1576-10T>C (NM_153704.5).
Identifiers: ClinVar variation 2931727 (VCV002931727.4), dbSNP rs1464558705, ClinGen allele CA583411915.

ClinVar aggregate classification (germline): Conflicting classifications of pathogenicity. Review status: criteria provided, conflicting classifications (1 of 4 stars). 2 submissions from 2 submitters: Uncertain significance (1); Likely benign (1). Last evaluated 2025-05-09.

Conditions:
TMEM67-related disorder. Also called: TMEM67-related condition; TMEM67-related disorders. Identifiers: MedGen CN239423.
Meckel-Gruber syndrome. Also called: Dysencephalia splachnocystica; DYSENCEPHALIA SPLANCHNOCYSTICA; GRUBER SYNDROME. Identifiers: Orphanet 564, MedGen C0265215, MONDO:0018921.
Joubert syndrome. Also called: Familial aplasia of the vermis; JOUBERT-BOLTSHAUSER SYNDROME. Identifiers: Orphanet 475, MedGen C5979921, MONDO:0018772.

Allele frequency attached by ClinVar (database versions not stated): gnomAD exomes below 0.00001; gnomAD 0.00003; TOPMed 0.00003.
gnomAD v4.1: 6 of 1,611,558 alleles (0.00037%); highest among the groups gnomAD compares: Admixed American, 0.01%; no homozygotes.

Submissions (2):

PreventionGenetics, part of Exact Sciences
Classification: Uncertain significance for TMEM67-related condition. Last evaluated: 2025-05-09. Review status: criteria provided, single submitter. Criteria: ACMG Guidelines, 2015. Collection method: clinical testing. Allele origin: germline.
Comment: The TMEM67 c.1576-10T>C variant is predicted to interfere with splicing. This variant is predicted to alter splicing based on available splicing prediction programs (SpliceAI, Jaganathan et al. 2019. PubMed ID: 30661751). However, the use of computer prediction programs is not equivalent to functional evidence. To our knowledge, this variant has not been reported in the literature. This variant is reported in 0.0029% of alleles in individuals of Latino descent in gnomAD. At this time, the clinical significance of this variant is uncertain due to the absence of conclusive functional and genetic evidence.

Labcorp Genetics (formerly Invitae), Labcorp
Classification: Likely benign for Joubert syndrome; Meckel-Gruber syndrome. Last evaluated: 2023-12-20. Review status: criteria provided, single submitter. Criteria: Invitae Variant Classification Sherloc (09022015). Collection method: clinical testing. Allele origin: germline.